The following is an entry in ClinVar:

NM_001317778.2(SFTPC):c.365A>G (p.Tyr122Cys)

Gene: SFTPC (surfactant protein C; plus strand). Cytogenetic location: 8p21.3.
Variant type: single nucleotide variant.
Coding change: c.365A>G on transcript NM_001317778.2 (MANE Select); coding-DNA position 365, A replaced by G.
Protein change: p.Tyr122Cys; replaces tyrosine 122 with cysteine.
Molecular consequence: missense variant.
Genome position (GRCh38, 1-based): chr8:22,163,476, A>G. VCF-style: chr8-22163476-A-G. GRCh37 (hg19) VCF-style: chr8-22020989-A-G.
Other names: c.365A>G, p.Tyr122Cys (NM_001172357.2, NM_001172410.2, NM_001317780.2 and 8 more transcripts); c.206A>G, p.Tyr69Cys (NM_001317779.2, NM_001385660.1); short protein forms Y122C, Y69C.
Identifiers: ClinVar variation 2830226 (VCV002830226.3), dbSNP rs77034580, ClinGen allele CA370537717.

ClinVar aggregate classification (germline): Uncertain significance (1 of 4 stars; one submission).

Submission:

Labcorp Genetics (formerly Invitae), Labcorp
Classification: Uncertain significance. Last evaluated: 2023-01-19. Review status: criteria provided, single submitter. Criteria: Invitae Variant Classification Sherloc (09022015). Collection method: clinical testing. Allele origin: germline.
Comment: In summary, the available evidence is currently insufficient to determine the role of this variant in disease. Therefore, it has been classified as a Variant of Uncertain Significance. Algorithms developed to predict the effect of missense changes on protein structure and function (SIFT, PolyPhen-2, Align-GVGD) all suggest that this variant is likely to be disruptive. This variant has not been reported in the literature in individuals affected with SFTPC-related conditions. This variant is not present in population databases (gnomAD no frequency). This sequence change replaces tyrosine, which is neutral and polar, with cysteine, which is neutral and slightly polar, at codon 122 of the SFTPC protein (p.Tyr122Cys).